The following is an entry in ClinVar:

NM_000032.5(ALAS2):c.496A>C (p.Lys166Gln)

Gene: ALAS2 (5'-aminolevulinate synthase 2; minus strand). Cytogenetic location: Xp11.21.
Variant type: single nucleotide variant.
Coding change: c.496A>C on transcript NM_000032.5 (MANE Select); coding-DNA position 496, A replaced by C.
Protein change: p.Lys166Gln; replaces lysine 166 with glutamine.
Molecular consequence: missense variant.
Genome position (GRCh38, 1-based): chrX:55,021,194, T>G on the plus strand (A>C on the coding strand, the complement: ALAS2 is on the minus strand). VCF-style: chrX-55021194-T-G. GRCh37 (hg19) VCF-style: chrX-55047627-T-G.
Other names: c.385A>C, p.Lys129Gln (NM_001037967.4); c.457A>C, p.Lys153Gln (NM_001037968.4); short protein forms K129Q, K153Q, K166Q.
Identifiers: ClinVar variation 2015970 (VCV002015970.4), dbSNP rs2519587649, ClinGen allele CA413295674.

ClinVar aggregate classification (germline): Uncertain significance (1 of 4 stars; one submission).

Submission:

Labcorp Genetics (formerly Invitae), Labcorp
Classification: Uncertain significance. Last evaluated: 2022-07-11. Review status: criteria provided, single submitter. Criteria: Invitae Variant Classification Sherloc (09022015). Collection method: clinical testing. Allele origin: germline.
Comment: In summary, the available evidence is currently insufficient to determine the role of this variant in disease. Therefore, it has been classified as a Variant of Uncertain Significance. Advanced modeling of protein sequence and biophysical properties (such as structural, functional, and spatial information, amino acid conservation, physicochemical variation, residue mobility, and thermodynamic stability) performed at Invitae indicates that this missense variant is expected to disrupt ALAS2 protein function. This variant is not present in population databases (gnomAD no frequency). This variant has not been reported in the literature in individuals affected with ALAS2-related conditions. This sequence change replaces lysine, which is basic and polar, with glutamine, which is neutral and polar, at codon 166 of the ALAS2 protein (p.Lys166Gln).